The following is an entry in ClinVar:

ClinVar aggregate classification (germline): Conflicting classifications of pathogenicity. Review status: criteria provided, conflicting classifications (1 of 4 stars). 2 submissions from 2 submitters: Likely pathogenic (1); Uncertain significance (1). Last evaluated 2025-10-01.

Conditions:
Intellectual developmental disorder, autosomal dominant 1. Also called: MBD5 Haploinsufficiency; Intellectual disability, autosomal dominant 1. Identifiers: Orphanet 228402, MedGen C1969562, MONDO:0007974, OMIM 156200.
MBD5-related disorder. Also called: MBD5-related condition.

Submissions (2):

3billion
Classification: Likely pathogenic for MBD5-related disorder. Last evaluated: 2025-10-01. Review status: criteria provided, single submitter. Criteria: ACMG Guidelines, 2015. Collection method: clinical testing. Allele origin: germline. Affected: yes.
Comment: The variant is not observed in the gnomAD v4.1.0 dataset. Predicted Consequence/Location: Stop-gained (nonsense): predicted to result in a loss or disruption of normal protein function through nonsense-mediated decay (NMD) or protein truncation. Multiple pathogenic variants are reported downstream of the variant. Therefore, this variant is classified as Likely pathogenic according to the recommendation of ACMG/AMP guideline.

Juno Genomics, Hangzhou Juno Genomics, Inc
Classification: Uncertain significance for Intellectual developmental disorder, autosomal dominant 1. Review status: criteria provided, single submitter. Criteria: ACMG Guidelines, 2015. Collection method: clinical testing. Allele origin: germline.
Comment: Absent from controls (or at extremely low frequency if recessive) in Genome Aggregation Database.;Null variant in a gene where loss of function (LOF) is a known mechanism of disease.

NM_001378120.1(MBD5):c.3133C>T (p.Arg1045Ter)

Gene: MBD5 (methyl-CpG binding domain protein 5; plus strand). Cytogenetic location: 2q23.1.
Variant type: single nucleotide variant.
Coding change: c.3133C>T on transcript NM_001378120.1 (MANE Select); coding-DNA position 3133, C replaced by T.
Protein change: p.Arg1045Ter; replaces arginine 1045 with a stop codon.
Molecular consequence: nonsense. On other transcripts: intron variant (6).
Genome position (GRCh38, 1-based): chr2:148,483,724, C>T. VCF-style: chr2-148483724-C-T. GRCh37 (hg19) VCF-style: chr2-149241293-C-T.
Other names: c.3133C>T, p.Arg1045Ter (NM_001438854.1, NM_001438856.1, NM_001438857.1 and 1 more transcripts); c.2845+288C>T (NM_018328.5, NM_001438862.1, NM_001438860.1 and 3 more transcripts); short protein forms R1045*.
Identifiers: ClinVar variation 4856089 (VCV004856089.3).